The following is an entry in ClinVar:

ClinVar aggregate classification (germline): Likely benign (1 of 4 stars; one submission).

Conditions:
CUL4B-related disorder. Also called: CUL4B-related condition.

gnomAD v4.1: 5 of 1,170,033 alleles (0.00043%); highest among the groups gnomAD compares: Admixed American, 0.0066%; no homozygotes.

Submission:

PreventionGenetics, part of Exact Sciences
Classification: Likely benign for CUL4B-related condition. Last evaluated: 2024-11-20. Review status: criteria provided, single submitter. Criteria: ACMG Guidelines, 2015. Collection method: clinical testing. Allele origin: germline.
Comment: This variant is classified as likely benign based on ACMG/AMP sequence variant interpretation guidelines (Richards et al. 2015 PMID: 25741868, with internal and published modifications).

NM_001079872.2(CUL4B):c.2682T>C (p.Ile894=)

Gene: CUL4B (cullin 4B; minus strand). Cytogenetic location: Xq24.
Variant type: single nucleotide variant.
Coding change: c.2682T>C on transcript NM_001079872.2 (MANE Select); coding-DNA position 2682, T replaced by C.
Protein change: p.Ile894=; no amino-acid change (isoleucine 894 retained).
Molecular consequence: synonymous variant.
Genome position (GRCh38, 1-based): chrX:120,526,767, A>G on the plus strand (T>C on the coding strand, the complement: CUL4B is on the minus strand). VCF-style: chrX-120526767-A-G. GRCh37 (hg19) VCF-style: chrX-119660622-A-G.
Other names: c.2697T>C, p.Ile899= (NM_001330624.2); c.2148T>C, p.Ile716= (NM_001369145.1); c.2736T>C, p.Ile912= (NM_003588.4).
Identifiers: ClinVar variation 4981599 (VCV004981599.1).